The following is an entry in ClinVar:

ClinVar aggregate classification (germline): Likely benign (1 of 4 stars; one submission).

Conditions:
Desbuquois dysplasia 1 (DBQD1). Also called: MICROMELIC DWARFISM WITH VERTEBRAL AND METAPHYSEAL ABNORMALITIES AND ADVANCED CARPOTARSAL OSSIFICATION; DESBUQUOIS DYSPLASIA 1, KIM VARIANT. Identifiers: Orphanet 1425, MedGen C4012146, MONDO:0009629, OMIM 251450.

Allele frequency attached by ClinVar (database versions not stated): 1000 Genomes Project 0.00280; 1000 Genomes Project 30x 0.00281.
gnomAD v4.1: 418 of 386,710 alleles (0.11%); highest among the groups gnomAD compares: East Asian, 1.8%; 2 homozygotes.

Submission:

Illumina Laboratory Services, Illumina
Classification: Likely benign for Desbuquois dysplasia 1. Last evaluated: 2018-01-13. Review status: criteria provided, single submitter. Criteria: ICSL Variant Classification Criteria 13 December 2019. Collection method: clinical testing. Allele origin: germline.
Comment: This variant was observed in the ICSL laboratory as part of a predisposition screen in an ostensibly healthy population. It had not been previously curated by ICSL or reported in the Human Gene Mutation Database (HGMD: prior to June 1st, 2018), and was therefore a candidate for classification through an automated scoring system. Utilizing variant allele frequency, disease prevalence and penetrance estimates, and inheritance mode, an automated score was calculated to assess if this variant is too frequent to cause the disease. Based on the score and internal cut-off values, a variant classified as likely benign is not then subjected to further curation. The score for this variant resulted in a classification of likely benign for this disease.

NM_001159773.2(CANT1):c.*998G>T

Gene: CANT1 (calcium activated nucleotidase 1; minus strand). Cytogenetic location: 17q25.3.
Variant type: single nucleotide variant.
Coding change: c.*998G>T on transcript NM_001159773.2 (MANE Select); 998 bases downstream of the stop codon, G replaced by T.
Molecular consequence: 3 prime UTR variant.
Genome position (GRCh38, 1-based): chr17:78,992,552, C>A on the plus strand (G>T on the coding strand, the complement: CANT1 is on the minus strand). VCF-style: chr17-78992552-C-A. GRCh37 (hg19) VCF-style: chr17-76988634-C-A.
Other names: c.*998G>T (NM_001159772.2, NM_138793.4).
Identifiers: ClinVar variation 890149 (VCV000890149.4), dbSNP rs78037898, ClinGen allele CA294809045.